The following is an entry in ClinVar:

ClinVar aggregate classification (germline): Uncertain significance. Review status: criteria provided, multiple submitters, no conflicts (2 of 4 stars). 4 submissions from 4 submitters: Uncertain significance (4). Last evaluated 2025-10-21.

Conditions:
Multiple endocrine neoplasia, type 1 (MEN1). Also called: Endocrine adenomatosis multiple; MEN 1; MEA I; MEN I; WERMER SYNDROME. Identifiers: Orphanet 652, MedGen C0025267, MeSH D018761, MONDO:0007540, OMIM 131100.
Hereditary cancer-predisposing syndrome. Also called: Hereditary Cancer Syndrome; Tumor predisposition; Neoplastic Syndromes, Hereditary; Hereditary neoplastic syndrome. Identifiers: Orphanet 140162, MedGen C0027672, MeSH D009386, MONDO:0015356.

Allele frequency attached by ClinVar (database versions not stated): gnomAD exomes below 0.00001.
gnomAD v4.1: 4 of 1,607,794 alleles (0.00025%); highest among the groups gnomAD compares: East Asian, 0.0022%; no homozygotes.

Submissions (4):

Ambry Genetics
Classification: Uncertain significance for Hereditary cancer-predisposing syndrome. Last evaluated: 2025-10-21. Review status: criteria provided, single submitter. Criteria: Ambry Variant Classification Scheme 2023. Collection method: clinical testing. Allele origin: germline.
Comment: The p.R516Q variant (also known as c.1547G>A), located in coding exon 9 of the MEN1 gene, results from a G to A substitution at nucleotide position 1547. The arginine at codon 516 is replaced by glutamine, an amino acid with highly similar properties. This amino acid position is highly conserved in available vertebrate species. In addition, the in silico prediction for this alteration is inconclusive. Since supporting evidence is limited at this time, the clinical significance of this alteration remains unclear.

Labcorp Genetics (formerly Invitae), Labcorp
Classification: Uncertain significance for Multiple endocrine neoplasia, type 1. Last evaluated: 2025-09-14. Review status: criteria provided, single submitter. Criteria: Invitae Variant Classification Sherloc (09022015). Collection method: clinical testing. Allele origin: germline.
Comment: This sequence change replaces arginine, which is basic and polar, with glutamine, which is neutral and polar, at codon 516 of the MEN1 protein (p.Arg516Gln). The frequency data for this variant in the population databases is considered unreliable, as metrics indicate poor data quality at this position in the gnomAD database. This missense change has been observed in individual(s) with clinical features of MEN1-related conditions (PMID: 10612827). ClinVar contains an entry for this variant (Variation ID: 651907). Invitae Evidence Modeling of protein sequence and biophysical properties (such as structural, functional, and spatial information, amino acid conservation, physicochemical variation, residue mobility, and thermodynamic stability) has been performed for this missense variant. However, the output from this modeling did not meet the statistical confidence thresholds required to predict the impact of this variant on MEN1 protein function. In summary, the available evidence is currently insufficient to determine the role of this variant in disease. Therefore, it has been classified as a Variant of Uncertain Significance.

All of Us Research Program, National Institutes of Health
Classification: Uncertain significance for Multiple endocrine neoplasia, type 1. Last evaluated: 2024-06-09. Review status: criteria provided, single submitter. Criteria: ACMG Guidelines, 2015. Collection method: clinical testing. Allele origin: germline. Inheritance: Autosomal dominant inheritance. Observed: 1 variant allele, 1 heterozygote.
Comment: This missense variant replaces arginine with glutamine at codon 516 of the MEN1 protein. Computational prediction suggests that this variant may not impact protein structure and function (internally defined REVEL score threshold <= 0.5, PMID: 27666373). To our knowledge, functional studies have not been reported for this variant. This variant has not been reported in individuals affected with hereditary cancer in the literature. This variant has been identified in 1/237028 chromosomes in the general population by the Genome Aggregation Database (gnomAD). The available evidence is insufficient to determine the role of this variant in disease conclusively. Therefore, this variant is classified as a Variant of Uncertain Significance.

This study involves interpretation of variants in research participants for the purpose of population health screening. Participant phenotype was not available at the time of variant classification. Additional details can be found in publication PMID: 35346344, PMCID: PMC8962531

Baylor Genetics
Classification: Uncertain significance for Multiple Endocrine Neoplasia Type 1. Last evaluated: 2024-01-25. Review status: criteria provided, single submitter. Criteria: ACMG Guidelines, 2015. Collection method: clinical testing. Allele origin: unknown.

Literature cited by the submitters: PubMed 10612827 (cited by Labcorp Genetics (formerly Invitae), Labcorp).

NM_001370259.2(MEN1):c.1547G>A (p.Arg516Gln)

Gene: MEN1 (menin 1; minus strand). Cytogenetic location: 11q13.1.
Variant type: single nucleotide variant.
Coding change: c.1547G>A on transcript NM_001370259.2 (MANE Select); coding-DNA position 1547, G replaced by A.
Protein change: p.Arg516Gln; replaces arginine 516 with glutamine.
Molecular consequence: missense variant.
Genome position (GRCh38, 1-based): chr11:64,804,620, C>T on the plus strand (G>A on the coding strand, the complement: MEN1 is on the minus strand). VCF-style: chr11-64804620-C-T. GRCh37 (hg19) VCF-style: chr11-64572092-C-T.
Other names: c.1562G>A, p.Arg521Gln (NM_000244.4, NM_130800.3, NM_130801.3 and 3 more transcripts); c.1673G>A, p.Arg558Gln (NM_001370251.2); c.1547G>A, p.Arg516Gln (NM_001370260.2, NM_001370261.2, NM_130799.3); c.1442G>A, p.Arg481Gln (NM_001370262.2, NM_001370263.2); short protein forms R481Q, R558Q, R516Q, R521Q.
Identifiers: ClinVar variation 651907 (VCV000651907.12), dbSNP rs1565637104, ClinGen allele CA381178556.